The following is an entry in ClinVar:

NM_004655.4(AXIN2):c.957-1G>C

Gene: AXIN2 (axin 2; minus strand). Cytogenetic location: 17q24.1.
Variant type: single nucleotide variant.
Coding change: c.957-1G>C on transcript NM_004655.4 (MANE Select); the canonical splice acceptor site of the intron before coding-DNA position 957, G replaced by C.
Molecular consequence: splice acceptor variant.
Genome position (GRCh38, 1-based): chr17:65,541,558, C>G on the plus strand (G>C on the coding strand, the complement: AXIN2 is on the minus strand). VCF-style: chr17-65541558-C-G. GRCh37 (hg19) VCF-style: chr17-63537676-C-G.
Other names: c.957-1G>C (NM_001363813.1).
Identifiers: ClinVar variation 2583430 (VCV002583430.2), dbSNP rs2544197107, ClinGen allele CA400679401.
Genomic context (GRCh38, chr17:65,541,558, plus strand): 5'-CGATGCATTTCTCTCTGGAGCTGTTTCTTACTGCCCACACGATAAGGAGGAATTCCATCT[C>G]TAAGGGAAAGGAAAAGACAGAATCCACAGGCTTACGAGGATGTTTTCAGCACATCACATG-3'

ClinVar aggregate classification (germline): Likely pathogenic (1 of 4 stars; one submission).

Conditions:
Oligodontia-cancer predisposition syndrome. Also called: TOOTH AGENESIS-COLORECTAL CANCER SYNDROME. Identifiers: Orphanet 300576, MedGen C1837750, MONDO:0012075, OMIM 608615. Disease mechanism: loss of function.

Submission:

Myriad Genetics, Inc.
Classification: Likely pathogenic for Oligodontia-cancer predisposition syndrome. Last evaluated: 2023-05-17. Review status: criteria provided, single submitter. Criteria: Myriad Autosomal Dominant, Autosomal Recessive and X-Linked Classification Criteria (2023). Collection method: clinical testing. Allele origin: unknown.
Comment: This variant is considered likely pathogenic. This variant occurs within a consensus splice junction and is predicted to result in abnormal mRNA splicing of either an out-of-frame exon or an in-frame exon necessary for protein stability and/or normal function.